The following is an entry in ClinVar:

ClinVar aggregate classification (germline): Uncertain significance (1 of 4 stars; one submission).

Conditions:
COG7 congenital disorder of glycosylation (CDG2E). Also called: CONGENITAL DISORDER OF GLYCOSYLATION, TYPE IIe; CDG IIe. Identifiers: Orphanet 79333, MedGen C2931010, MONDO:0012118, OMIM 608779.

Allele frequency attached by ClinVar (database versions not stated): ExAC 0.00001; gnomAD 0.00001; gnomAD exomes 0.00003; TOPMed 0.00004.
gnomAD v4.1: 27 of 1,613,978 alleles (0.0017%); highest among the groups gnomAD compares: Admixed American, 0.01%; no homozygotes.

Submission:

Labcorp Genetics (formerly Invitae), Labcorp
Classification: Uncertain significance for COG7 congenital disorder of glycosylation. Last evaluated: 2020-04-06. Review status: criteria provided, single submitter. Criteria: Invitae Variant Classification Sherloc (09022015). Collection method: clinical testing. Allele origin: germline.
Comment: In summary, the available evidence is currently insufficient to determine the role of this variant in disease. Therefore, it has been classified as a Variant of Uncertain Significance. Algorithms developed to predict the effect of missense changes on protein structure and function do not agree on the potential impact of this missense change (SIFT: "Deleterious"; PolyPhen-2: "Benign"; Align-GVGD: "Class C0"). This variant has not been reported in the literature in individuals with COG7-related disease. This variant is present in population databases (rs754629845, ExAC 0.009%). This sequence change replaces valine with methionine at codon 768 of the COG7 protein (p.Val768Met). The valine residue is moderately conserved and there is a small physicochemical difference between valine and methionine.

NM_153603.4(COG7):c.2302G>A (p.Val768Met)

Gene: COG7 (component of oligomeric golgi complex 7; minus strand). Cytogenetic location: 16p12.2.
Variant type: single nucleotide variant.
Coding change: c.2302G>A on transcript NM_153603.4 (MANE Select); coding-DNA position 2302, G replaced by A.
Protein change: p.Val768Met; replaces valine 768 with methionine.
Molecular consequence: missense variant.
Genome position (GRCh38, 1-based): chr16:23,388,931, C>T on the plus strand (G>A on the coding strand, the complement: COG7 is on the minus strand). VCF-style: chr16-23388931-C-T. GRCh37 (hg19) VCF-style: chr16-23400252-C-T.
Other names: short protein forms V768M.
Identifiers: ClinVar variation 1059812 (VCV001059812.7), dbSNP rs754629845, ClinGen allele CA7960710.